The following is an entry in ClinVar:

NM_013447.4(ADGRE2):c.1207G>A (p.Gly403Ser)

Gene: ADGRE2 (adhesion G protein-coupled receptor E2; minus strand). Cytogenetic location: 19p13.12.
Variant type: single nucleotide variant.
Coding change: c.1207G>A on transcript NM_013447.4 (MANE Select); coding-DNA position 1207, G replaced by A.
Protein change: p.Gly403Ser; replaces glycine 403 with serine.
Molecular consequence: missense variant.
Genome position (GRCh38, 1-based): chr19:14,755,863, C>T on the plus strand (G>A on the coding strand, the complement: ADGRE2 is on the minus strand). VCF-style: chr19-14755863-C-T. GRCh37 (hg19) VCF-style: chr19-14866675-C-T.
Other names: c.1207G>A, p.Gly403Ser (NM_001271052.1); c.1060G>A, p.Gly354Ser (NM_152916.2); c.928G>A, p.Gly310Ser (NM_152917.2); short protein forms G354S, G310S, G403S.
Identifiers: ClinVar variation 2803034 (VCV002803034.3), dbSNP rs1218861257, ClinGen allele CA404455793.

ClinVar aggregate classification (germline): Uncertain significance (1 of 4 stars; one submission).

Allele frequency attached by ClinVar (database versions not stated): TOPMed below 0.00001.

Submission:

Labcorp Genetics (formerly Invitae), Labcorp
Classification: Uncertain significance. Last evaluated: 2023-03-30. Review status: criteria provided, single submitter. Criteria: Invitae Variant Classification Sherloc (09022015). Collection method: clinical testing. Allele origin: germline.
Comment: In summary, the available evidence is currently insufficient to determine the role of this variant in disease. Therefore, it has been classified as a Variant of Uncertain Significance. An algorithm developed to predict the effect of missense changes on protein structure and function (PolyPhen-2) suggests that this variant is likely to be disruptive. This variant has not been reported in the literature in individuals affected with ADGRE2-related conditions. This variant is not present in population databases (gnomAD no frequency). This sequence change replaces glycine, which is neutral and non-polar, with serine, which is neutral and polar, at codon 403 of the ADGRE2 protein (p.Gly403Ser).